The following is an entry in ClinVar:

NM_015100.4(POGZ):c.1561C>G (p.Gln521Glu)

Gene: POGZ (pogo transposable element derived with ZNF domain; minus strand). Cytogenetic location: 1q21.3.
Variant type: single nucleotide variant.
Coding change: c.1561C>G on transcript NM_015100.4 (MANE Select); coding-DNA position 1561, C replaced by G.
Protein change: p.Gln521Glu; replaces glutamine 521 with glutamic acid.
Molecular consequence: missense variant.
Genome position (GRCh38, 1-based): chr1:151,423,514, G>C on the plus strand (C>G on the coding strand, the complement: POGZ is on the minus strand). VCF-style: chr1-151423514-G-C. GRCh37 (hg19) VCF-style: chr1-151395990-G-C.
Other names: c.1402C>G, p.Gln468Glu (NM_207171.2); c.1534C>G, p.Gln512Glu (NM_001194937.2); c.1375C>G, p.Gln459Glu (NM_001194938.2); c.1582C>G, p.Gln528Glu (NM_001410860.1); c.1276C>G, p.Gln426Glu (NM_145796.4); short protein forms Q521E, Q426E, Q512E, Q459E, Q468E, Q528E.
Identifiers: ClinVar variation 5026963 (VCV005026963.1).

ClinVar aggregate classification (germline): Uncertain significance (1 of 4 stars; one submission).

Conditions:
Inborn genetic diseases. Identifiers: MedGen C0950123, MeSH D030342.

gnomAD v4.1: 2 of 1,613,644 alleles (0.00012%); highest among the groups gnomAD compares: African/African-American, 0.0027%; no homozygotes.

Submission:

Ambry Genetics
Classification: Uncertain significance for Inborn genetic diseases. Last evaluated: 2026-08-18. Review status: criteria provided, single submitter. Criteria: Ambry Variant Classification Scheme 2023. Collection method: clinical testing. Allele origin: germline.
Comment: The c.1561C>G (p.Q521E) alteration is located in exon 10 (coding exon 9) of the POGZ gene. This alteration results from a C to G substitution at nucleotide position 1561, causing the glutamine (Q) at amino acid position 521 to be replaced by a glutamic acid (E). Based on data from gnomAD, the G allele has an overall frequency of 0.003% (1/31404) total alleles studied. The highest observed frequency was 0.012% (1/8714) of African alleles. Based on insufficient or conflicting evidence, the clinical significance of this alteration remains unclear.